The following is an entry in ClinVar:

ClinVar aggregate classification (germline): Uncertain significance (1 of 4 stars; one submission).

Submission:

Labcorp Genetics (formerly Invitae), Labcorp
Classification: Uncertain significance. Last evaluated: 2021-12-25. Review status: criteria provided, single submitter. Criteria: Invitae Variant Classification Sherloc (09022015). Collection method: clinical testing. Allele origin: germline.
Comment: In summary, the available evidence is currently insufficient to determine the role of this variant in disease. Therefore, it has been classified as a Variant of Uncertain Significance. Variants that disrupt the consensus splice site are a relatively common cause of aberrant splicing (PMID: 17576681, 9536098). Algorithms developed to predict the effect of sequence changes on RNA splicing suggest that this variant may disrupt the consensus splice site. This variant has not been reported in the literature in individuals affected with ARPC1B-related conditions. This variant is not present in population databases (gnomAD no frequency). This sequence change falls in intron 2 of the ARPC1B gene. It does not directly change the encoded amino acid sequence of the ARPC1B protein. It affects a nucleotide within the consensus splice site.

Literature cited by the submitters: PubMed 17576681; PubMed 9536098.

NM_005720.4(ARPC1B):c.64+4_64+24del

Gene: ARPC1B (actin related protein 2/3 complex subunit 1B; plus strand). Cytogenetic location: 7q22.1.
Variant type: Deletion.
Coding change: c.64+4_64+24del on transcript NM_005720.4 (MANE Select); bases 4 to 24 of the intron after coding-DNA position 64, 21 bases deleted (AGTGCTTGCTGGGGGCCGGTG).
Molecular consequence: splice donor variant.
Genome position (GRCh38, 1-based): chr7:99,385,782-99,385,802, AGTGCTTGCTGGGGGCCGGTG deleted; deleting any 21 consecutive bases within chr7:99,385,779-99,385,802 gives the same sequence; the c. name uses the placement nearest the transcript's 3' end. VCF-style (leftmost placement, unchanged base first): chr7-99385778-CGTGAGTGCTTGCTGGGGGCCG-C. GRCh37 (hg19) VCF-style: chr7-98983401-CGTGAGTGCTTGCTGGGGGCCG-C.
Identifiers: ClinVar variation 2060877 (VCV002060877.4), dbSNP rs2484628435, ClinGen allele CA2580077969.